The following is an entry in ClinVar:

NM_033163.5(FGF8):c.33-3C>T

Gene: FGF8 (fibroblast growth factor 8; minus strand). Cytogenetic location: 10q24.32.
Variant type: single nucleotide variant.
Coding change: c.33-3C>T on transcript NM_033163.5 (MANE Select); 3 bases into the intron before coding-DNA position 33, C replaced by T.
Molecular consequence: intron variant.
Genome position (GRCh38, 1-based): chr10:101,775,779, G>A on the plus strand (C>T on the coding strand, the complement: FGF8 is on the minus strand). VCF-style: chr10-101775779-G-A. GRCh37 (hg19) VCF-style: chr10-103535536-G-A.
Other names: c.-160-3C>T (NM_001206389.2); c.33-3C>T (NM_033165.5, NM_006119.6, NM_033164.4).
Identifiers: ClinVar variation 3022931 (VCV003022931.3), dbSNP rs1288165888, ClinGen allele CA658984768.

ClinVar aggregate classification (germline): Uncertain significance (1 of 4 stars; one submission).

Allele frequency attached by ClinVar (database versions not stated): gnomAD exomes 0.00001; TOPMed 0.00001; gnomAD 0.00001.
gnomAD v4.1: 11 of 1,544,200 alleles (0.00071%); highest among the groups gnomAD compares: Non-Finnish European, 0.00096%; no homozygotes.

Submission:

Labcorp Genetics (formerly Invitae), Labcorp
Classification: Uncertain significance. Last evaluated: 2025-08-18. Review status: criteria provided, single submitter. Criteria: Invitae Variant Classification Sherloc (09022015). Collection method: clinical testing. Allele origin: germline.
Comment: This sequence change falls in intron 1 of the FGF8 gene. It does not directly change the encoded amino acid sequence of the FGF8 protein. It affects a nucleotide within the consensus splice site. This variant is not present in population databases (gnomAD no frequency). This variant has not been reported in the literature in individuals affected with FGF8-related conditions. ClinVar contains an entry for this variant (Variation ID: 3022931). Variants that disrupt the consensus splice site are a relatively common cause of aberrant splicing (PMID: 17576681, 9536098). Algorithms developed to predict the effect of sequence changes on RNA splicing suggest that this variant is not likely to affect RNA splicing. In summary, the available evidence is currently insufficient to determine the role of this variant in disease. Therefore, it has been classified as a Variant of Uncertain Significance.

Literature cited by the submitters: PubMed 17576681; PubMed 9536098.